The following is an entry in ClinVar:

NM_001376.5(DYNC1H1):c.8576C>T (p.Pro2859Leu)

Gene: DYNC1H1 (dynein cytoplasmic 1 heavy chain 1; plus strand). Cytogenetic location: 14q32.31.
Variant type: single nucleotide variant.
Coding change: c.8576C>T on transcript NM_001376.5 (MANE Select); coding-DNA position 8576, C replaced by T.
Protein change: p.Pro2859Leu; replaces proline 2859 with leucine.
Molecular consequence: missense variant.
Genome position (GRCh38, 1-based): chr14:102,022,819, C>T. VCF-style: chr14-102022819-C-T. GRCh37 (hg19) VCF-style: chr14-102489156-C-T.
Other names: short protein forms P2859L.
Identifiers: ClinVar variation 2879326 (VCV002879326.5), dbSNP rs1273252656, ClinGen allele CA391007145.
Genomic context (GRCh38, chr14:102,022,819, plus strand): 5'-AGGATGAGGAGAGGCGTTGGACTGATGAGAACATCGACACGGTTGCTCTGAAGCACTTCC[C>T]TAACATCGACAGAGAGAAGGCAATGAGCCGACCCATCTTGTACAGCAACTGGCTGTCAAA-3'
Protein context (NP_001367.2, residues 2849-2869): NIDTVALKHF[Pro2859Leu]NIDREKAMSR

ClinVar aggregate classification (germline): Uncertain significance. Review status: criteria provided, multiple submitters, no conflicts (2 of 4 stars). 3 submissions from 3 submitters: Uncertain significance (3). Last evaluated 2025-05-03.

Conditions:
Cortical dysplasia, complex, with other brain malformations 13. Also called: Intellectual disability, autosomal dominant 13. Identifiers: MedGen C3281202, MONDO:0013805, OMIM 614563.
Autosomal dominant childhood-onset proximal spinal muscular atrophy without contractures. Also called: KUGELBERG-WELANDER SYNDROME, AUTOSOMAL DOMINANT; SPINAL MUSCULAR ATROPHY, JUVENILE, PROXIMAL, AUTOSOMAL DOMINANT; Spinal muscular atrophy, lower extremity-predominant 1, AD; SPINAL MUSCULAR ATROPHY, CHILDHOOD, PROXIMAL, AUTOSOMAL DOMINANT. Identifiers: Orphanet 209341, Orphanet 363447, MedGen C5780022, MONDO:0008026, OMIM 158600.
Charcot-Marie-Tooth disease axonal type 2O. Also called: CHARCOT-MARIE-TOOTH NEUROPATHY, AXONAL, TYPE 2O; CHARCOT-MARIE-TOOTH DISEASE, AXONAL, AUTOSOMAL DOMINANT, TYPE 2O; Charcot-Marie-Tooth Neuropathy Type 2O; Charcot-Marie-Tooth disease, axonal, type 20. Identifiers: Orphanet 284232, MedGen C3280220, MONDO:0013644, OMIM 614228.
Inborn genetic diseases. Identifiers: MedGen C0950123, MeSH D030342.

Allele frequency attached by ClinVar (database versions not stated): gnomAD exomes below 0.00001; TOPMed below 0.00001.
gnomAD v4.1: 2 of 1,614,224 alleles (0.00012%); highest among the groups gnomAD compares: Non-Finnish European, 0.00017%; no homozygotes.

Submissions (3):

Ambry Genetics
Classification: Uncertain significance for Inborn genetic diseases. Last evaluated: 2025-05-03. Review status: criteria provided, single submitter. Criteria: Ambry Variant Classification Scheme 2023. Collection method: clinical testing. Allele origin: germline.

Fulgent Genetics
Classification: Uncertain significance for Autosomal dominant childhood-onset proximal spinal muscular atrophy without contractures; Charcot-Marie-Tooth disease axonal type 2O; Cortical dysplasia, complex, with other brain malformations 13. Last evaluated: 2024-02-27. Review status: criteria provided, single submitter. Criteria: ACMG Guidelines, 2015. Collection method: clinical testing. Allele origin: germline.

Labcorp Genetics (formerly Invitae), Labcorp
Classification: Uncertain significance for Charcot-Marie-Tooth disease axonal type 2O. Last evaluated: 2024-01-11. Review status: criteria provided, single submitter. Criteria: Invitae Variant Classification Sherloc (09022015). Collection method: clinical testing. Allele origin: germline.
Comment: This sequence change replaces proline, which is neutral and non-polar, with leucine, which is neutral and non-polar, at codon 2859 of the DYNC1H1 protein (p.Pro2859Leu). This variant is not present in population databases (gnomAD no frequency). This variant has not been reported in the literature in individuals affected with DYNC1H1-related conditions. Advanced modeling of protein sequence and biophysical properties (such as structural, functional, and spatial information, amino acid conservation, physicochemical variation, residue mobility, and thermodynamic stability) has been performed at Invitae for this missense variant, however the output from this modeling did not meet the statistical confidence thresholds required to predict the impact of this variant on DYNC1H1 protein function. In summary, the available evidence is currently insufficient to determine the role of this variant in disease. Therefore, it has been classified as a Variant of Uncertain Significance.